The following is an entry in ClinVar:

ClinVar aggregate classification (germline): Uncertain significance (1 of 4 stars; one submission).

Conditions:
Hereditary cancer-predisposing syndrome. Also called: Hereditary Cancer Syndrome; Hereditary neoplastic syndrome; Tumor predisposition; Neoplastic Syndromes, Hereditary. Identifiers: Orphanet 140162, MedGen C0027672, MeSH D009386, MONDO:0015356.
Cardiovascular phenotype. Identifiers: MedGen CN230736.

Allele frequency attached by ClinVar (database versions not stated): gnomAD exomes below 0.00001.
gnomAD v4.1: 1 of 1,608,848 alleles (0.000062%); highest among the groups gnomAD compares: Non-Finnish European, 0.000085%; no homozygotes.

Submission:

Ambry Genetics
Classification: Uncertain significance for Cardiovascular phenotype; Hereditary cancer-predisposing syndrome. Last evaluated: 2021-07-29. Review status: criteria provided, single submitter. Criteria: Ambry Variant Classification Scheme 2023. Collection method: clinical testing. Allele origin: germline.
Comment: The p.L84V variant (also known as c.250T>G), located in coding exon 3 of the NF1 gene, results from a T to G substitution at nucleotide position 250. The leucine at codon 84 is replaced by valine, an amino acid with highly similar properties. This amino acid position is highly conserved in available vertebrate species. In addition, the in silico prediction for this alteration is inconclusive. Since supporting evidence is limited at this time, the clinical significance of this alteration remains unclear.

NM_001042492.3(NF1):c.250T>G (p.Leu84Val)

Gene: NF1 (neurofibromin 1; plus strand). Cytogenetic location: 17q11.2.
Variant type: single nucleotide variant.
Coding change: c.250T>G on transcript NM_001042492.3 (MANE Select); coding-DNA position 250, T replaced by G.
Protein change: p.Leu84Val; replaces leucine 84 with valine.
Molecular consequence: missense variant.
Genome position (GRCh38, 1-based): chr17:31,159,055, T>G. VCF-style: chr17-31159055-T-G. GRCh37 (hg19) VCF-style: chr17-29486073-T-G.
Other names: c.250T>G, p.Leu84Val (NM_000267.4, NM_001128147.3); short protein forms L84V.
Identifiers: ClinVar variation 1792390 (VCV001792390.2), dbSNP rs2143646135, ClinGen allele CA398989670.